The following is an entry in ClinVar:

NM_178857.6(RP1L1):c.*200G>A

Gene: RP1L1 (RP1 like 1). Cytogenetic location: 8p23.1.
Variant type: single nucleotide variant.
Coding change: c.*200G>A on transcript NM_178857.6 (MANE Select); 200 bases downstream of the stop codon, G replaced by A.
Molecular consequence: 3 prime UTR variant.
Genome position (GRCh38, 1-based): chr8:10,606,695, C>T on the plus strand (G>A on the coding strand, the complement: RP1L1 is on the minus strand). VCF-style: chr8-10606695-C-T. GRCh37 (hg19) VCF-style: chr8-10464205-C-T.
Identifiers: ClinVar variation 361197 (VCV000361197.5), dbSNP rs544642796, ClinGen allele CA10629732.

ClinVar aggregate classification (germline): Benign (1 of 4 stars; one submission).

Conditions:
Occult macular dystrophy (OCMD). Also called: OMD; OCCULT MACULAR DYSTROPHY, SUSCEPTIBILITY TO. Identifiers: Orphanet 247834, MedGen C3150833, MONDO:0013316, OMIM 613587, HP:0030636.

Allele frequency attached by ClinVar (database versions not stated): gnomAD 0.00004 and 0.00011; TOPMed 0.00008; gnomAD exomes 0.00017; 1000 Genomes Project 30x 0.00094; 1000 Genomes Project 0.00120.
gnomAD v4.1: 136 of 838,220 alleles (0.016%); highest among the groups gnomAD compares: South Asian, 0.2%; 3 homozygotes.

Submission:

Illumina Laboratory Services, Illumina
Classification: Benign for Occult macular dystrophy. Last evaluated: 2018-01-12. Review status: criteria provided, single submitter. Criteria: ICSL Variant Classification Criteria 13 December 2019. Collection method: clinical testing. Allele origin: germline.
Comment: This variant was observed in the ICSL laboratory as part of a predisposition screen in an ostensibly healthy population. It had not been previously curated by ICSL or reported in the Human Gene Mutation Database (HGMD: prior to June 1st, 2018), and was therefore a candidate for classification through an automated scoring system. Utilizing variant allele frequency, disease prevalence and penetrance estimates, and inheritance mode, an automated score was calculated to assess if this variant is too frequent to cause the disease. Based on the score and internal cut-off values, a variant classified as benign is not then subjected to further curation. The score for this variant resulted in a classification of benign for this disease.